The following is an entry in ClinVar:

NM_170784.3(MKKS):c.1670A>G (p.Asn557Ser)

Gene: MKKS (MKKS centrosomal shuttling protein; minus strand). Cytogenetic location: 20p12.2.
Variant type: single nucleotide variant.
Coding change: c.1670A>G on transcript NM_170784.3 (MANE Select); coding-DNA position 1670, A replaced by G.
Protein change: p.Asn557Ser; replaces asparagine 557 with serine.
Molecular consequence: missense variant. On other transcripts: non-coding transcript variant (1).
Genome position (GRCh38, 1-based): chr20:10,405,290, T>C on the plus strand (A>G on the coding strand, the complement: MKKS is on the minus strand). VCF-style: chr20-10405290-T-C. GRCh37 (hg19) VCF-style: chr20-10385938-T-C.
Other names: c.1670A>G (NM_018848.2); c.1670A>G, p.Asn557Ser (NM_018848.3); short protein forms N557S.
Identifiers: ClinVar variation 898520 (VCV000898520.12), dbSNP rs554429487, ClinGen allele CA9763444.
Genomic context (GRCh38, chr20:10,405,290, plus strand): 5'-ACGAACATGCTATTCTCTTAGTTTTTATCTTCAATAACATATGAAAGATCCAAAATCAAA[T>C]TGGCTGTCTCTACAGCCACCTGTAGGCCACTAAGCTTTGCAGTCAAACAGTCCAAGGTCA-3'
Protein context (NP_740754.1, residues 547-567): SGLQVAVETA[Asn557Ser]LILDLSYVIE

ClinVar aggregate classification (germline): Conflicting classifications of pathogenicity. Review status: criteria provided, conflicting classifications (1 of 4 stars). 6 submissions from 5 submitters: Uncertain significance (4); Benign (1); Likely benign (1). Last evaluated 2026-05-05.

Conditions:
McKusick-Kaufman syndrome (MKKS). Also called: HYDROMETROCOLPOS SYNDROME; HYDROMETROCOLPOS, POSTAXIAL POLYDACTYLY, AND CONGENITAL HEART MALFORMATION. Identifiers: Orphanet 2473, MedGen C0948368, MONDO:0009367, OMIM 236700.
Bardet-Biedl syndrome (BBS). Identifiers: Orphanet 110, MedGen C0752166, MONDO:0015229.
MKKS-related disorder. Also called: MKKS-related condition; MKKS-related disorders.
Inborn genetic diseases. Identifiers: MedGen C0950123, MeSH D030342.
Bardet-Biedl syndrome 6 (BBS6). Identifiers: Orphanet 110, MedGen C1858054, MONDO:0011523, OMIM 605231.

Allele frequency attached by ClinVar (database versions not stated): gnomAD below 0.00001 and 0.00003; TOPMed 0.00003; gnomAD exomes 0.00010 and 0.00015; ExAC 0.00011; 1000 Genomes Project 30x 0.00016; 1000 Genomes Project 0.00020.

Submissions (6):

PreventionGenetics, part of Exact Sciences
Classification: Uncertain significance for MKKS-related condition. Last evaluated: 2026-05-05. Review status: criteria provided, single submitter. Criteria: ACMG Guidelines, 2015. Collection method: clinical testing. Allele origin: germline.
Comment: The MKKS c.1670A>G variant is predicted to result in the amino acid substitution p.Asn557Ser. To our knowledge, this variant has not been reported in the literature. This variant is reported in 0.12% of alleles in individuals of South Asian descent in gnomAD. At this time, the clinical significance of this variant is uncertain due to the absence of conclusive functional and genetic evidence.

Labcorp Genetics (formerly Invitae), Labcorp
Classification: Likely benign for McKusick-Kaufman syndrome; Bardet-Biedl syndrome. Last evaluated: 2026-01-28. Review status: criteria provided, single submitter. Criteria: Invitae Variant Classification Sherloc (09022015). Collection method: clinical testing. Allele origin: germline.

Ambry Genetics
Classification: Uncertain significance for Inborn genetic diseases. Last evaluated: 2025-08-31. Review status: criteria provided, single submitter. Criteria: Ambry Variant Classification Scheme 2023. Collection method: clinical testing. Allele origin: germline.

Blueprint Genetics
Classification: Benign. Last evaluated: 2024-08-21. Review status: criteria provided, single submitter. Criteria: ACMG Guidelines, 2015. Collection method: clinical testing. Allele origin: germline.

Illumina Laboratory Services, Illumina
Classification: Uncertain significance for Bardet-Biedl syndrome 6. Last evaluated: 2018-01-13. Review status: criteria provided, single submitter. Criteria: ICSL Variant Classification Criteria 13 December 2019. Collection method: clinical testing. Allele origin: germline.

Illumina Laboratory Services, Illumina
Classification: Uncertain significance for McKusick-Kaufman syndrome. Last evaluated: 2018-01-13. Review status: criteria provided, single submitter. Criteria: ICSL Variant Classification Criteria 13 December 2019. Collection method: clinical testing. Allele origin: germline.